The following is an entry in ClinVar:

ClinVar aggregate classification (germline): Uncertain significance (1 of 4 stars; one submission).

Conditions:
Spastic paraplegia. Identifiers: MedGen C0037772, HP:0001258.

Allele frequency attached by ClinVar (database versions not stated): gnomAD 0.00001; gnomAD exomes below 0.00001; TOPMed 0.00002.
gnomAD v4.1: 4 of 1,613,558 alleles (0.00025%); highest among the groups gnomAD compares: African/African-American, 0.0053%; no homozygotes.

Submission:

Labcorp Genetics (formerly Invitae), Labcorp
Classification: Uncertain significance for Spastic paraplegia. Last evaluated: 2025-10-20. Review status: criteria provided, single submitter. Criteria: Invitae Variant Classification Sherloc (09022015). Collection method: clinical testing. Allele origin: germline.
Comment: This sequence change replaces glutamic acid, which is acidic and polar, with alanine, which is neutral and non-polar, at codon 279 of the ERLIN2 protein (p.Glu279Ala). This variant is not present in population databases (gnomAD no frequency). This variant has not been reported in the literature in individuals affected with ERLIN2-related conditions. ClinVar contains an entry for this variant (Variation ID: 2899269). Invitae Evidence Modeling of protein sequence and biophysical properties (such as structural, functional, and spatial information, amino acid conservation, physicochemical variation, residue mobility, and thermodynamic stability) indicates that this missense variant is not expected to disrupt ERLIN2 protein function with a negative predictive value of 80%. In summary, the available evidence is currently insufficient to determine the role of this variant in disease. Therefore, it has been classified as a Variant of Uncertain Significance.

NM_007175.8(ERLIN2):c.836A>C (p.Glu279Ala)

Gene: ERLIN2 (ER lipid raft associated 2; plus strand). Cytogenetic location: 8p11.23.
Variant type: single nucleotide variant.
Coding change: c.836A>C on transcript NM_007175.8 (MANE Select); coding-DNA position 836, A replaced by C.
Protein change: p.Glu279Ala; replaces glutamic acid 279 with alanine.
Molecular consequence: missense variant.
Genome position (GRCh38, 1-based): chr8:37,753,931, A>C. VCF-style: chr8-37753931-A-C. GRCh37 (hg19) VCF-style: chr8-37611449-A-C.
Other names: c.836A>C, p.Glu279Ala (NM_001362878.2); short protein forms E279A.
Identifiers: ClinVar variation 2899269 (VCV002899269.3), dbSNP rs1359525659, ClinGen allele CA370662485.
Genomic context (GRCh38, chr8:37,753,931, plus strand): 5'-TATGGTTCAACATAAGTCTTCCATACTTTTTTTTTTTTTAACAGCTGAAGCTAACCCCTG[A>C]ATATCTGCAGCTGATGAAGTACAAGGCCATTGCTTCCAACAGCAAGATTTACTTTGGCAA-3'
Protein context (NP_009106.1, residues 269-289): AEANKLKLTP[Glu279Ala]YLQLMKYKAI